The following is an entry in ClinVar:

ClinVar aggregate classification (germline): Uncertain significance (1 of 4 stars; one submission).

Submission:

GeneDx
Classification: Uncertain significance. Last evaluated: 2025-08-16. Review status: criteria provided, single submitter. Criteria: GeneDx Variant Classification Process June 2021. Collection method: clinical testing. Allele origin: germline. Affected: yes.
Comment: Not observed at significant frequency in large population cohorts (gnomAD); In silico analysis supports that this missense variant has a deleterious effect on protein structure/function; Has not been previously published as pathogenic or benign to our knowledge

NM_001458.5(FLNC):c.500G>C (p.Gly167Ala)

Gene: FLNC (filamin C; plus strand). Cytogenetic location: 7q32.1.
Variant type: single nucleotide variant.
Coding change: c.500G>C on transcript NM_001458.5 (MANE Select); coding-DNA position 500, G replaced by C.
Protein change: p.Gly167Ala; replaces glycine 167 with alanine.
Molecular consequence: missense variant.
Genome position (GRCh38, 1-based): chr7:128,835,473, G>C. VCF-style: chr7-128835473-G-C. GRCh37 (hg19) VCF-style: chr7-128475527-G-C.
Other names: c.500G>C, p.Gly167Ala (NM_001127487.2); short protein forms G167A.
Identifiers: ClinVar variation 4795357 (VCV004795357.1).